The following is an entry in ClinVar:

NM_001379500.1(COL18A1):c.2717C>G (p.Ala906Gly)

Genes: COL18A1 (collagen type XVIII alpha 1 chain; plus strand), SLC19A1 (solute carrier family 19 member 1; minus strand). Cytogenetic location: 21q22.3.
Variant type: single nucleotide variant.
Coding change: c.2717C>G on transcript NM_001379500.1 (MANE Select); coding-DNA position 2717, C replaced by G.
Protein change: p.Ala906Gly; replaces alanine 906 with glycine.
Molecular consequence: missense variant.
Genome position (GRCh38, 1-based): chr21:45,504,044, C>G. VCF-style: chr21-45504044-C-G. GRCh37 (hg19) VCF-style: chr21-46923958-C-G.
Other names: c.3257C>G, p.Ala1086Gly (NM_030582.4); c.3962C>G, p.Ala1321Gly (NM_130444.3); short protein forms A906G, A1086G, A1321G.
Identifiers: ClinVar variation 1519663 (VCV001519663.7), dbSNP rs752396390, ClinGen allele CA410499055.

ClinVar aggregate classification (germline): Uncertain significance (1 of 4 stars; one submission).

Allele frequency attached by ClinVar (database versions not stated): gnomAD exomes below 0.00001.
gnomAD v4.1: 8 of 1,613,572 alleles (0.0005%); highest among the groups gnomAD compares: Admixed American, 0.0017%; no homozygotes.

Submissions (2):

Labcorp Genetics (formerly Invitae), Labcorp
Classification: Uncertain significance. Last evaluated: 2022-08-05. Review status: criteria provided, single submitter. Criteria: Invitae Variant Classification Sherloc (09022015). Collection method: clinical testing. Allele origin: germline.
Comment: In summary, the available evidence is currently insufficient to determine the role of this variant in disease. Therefore, it has been classified as a Variant of Uncertain Significance. Experimental studies and prediction algorithms are not available or were not evaluated, and the functional significance of this variant is currently unknown. ClinVar contains an entry for this variant (Variation ID: 1519663). This variant has not been reported in the literature in individuals affected with COL18A1-related conditions. This variant is present in population databases (no rsID available, gnomAD 0.0009%). This sequence change replaces alanine, which is neutral and non-polar, with glycine, which is neutral and non-polar, at codon 906 of the COL18A1 protein (p.Ala906Gly).

Dr. Peter K. Rogan Lab, Western University
No classification provided (evidence only). Condition: Uveal melanoma. Review status: no classification provided. Collection method: in vitro. Allele origin: not applicable. Functional consequence: retained intron. Not counted in ClinVar's aggregate classification.